The following is an entry in ClinVar:

NM_002294.3(LAMP2):c.755T>C (p.Ile252Thr)

Gene: LAMP2 (lysosome associated membrane protein 2; minus strand). Cytogenetic location: Xq24.
Variant type: single nucleotide variant.
Coding change: c.755T>C on transcript NM_002294.3 (MANE Select); coding-DNA position 755, T replaced by C.
Protein change: p.Ile252Thr; replaces isoleucine 252 with threonine.
Molecular consequence: missense variant.
Genome position (GRCh38, 1-based): chrX:120,446,414, A>G on the plus strand (T>C on the coding strand, the complement: LAMP2 is on the minus strand). VCF-style: chrX-120446414-A-G. GRCh37 (hg19) VCF-style: chrX-119580269-A-G.
Other names: c.755T>C (NM_002294.2); c.755T>C, p.Ile252Thr (NM_001122606.1, NM_013995.2); short protein forms I252T.
Identifiers: ClinVar variation 1497304 (VCV001497304.10), dbSNP rs141541387, ClinGen allele CA414401058.

ClinVar aggregate classification (germline): Uncertain significance. Review status: criteria provided, multiple submitters, no conflicts (2 of 4 stars). 3 submissions from 3 submitters: Uncertain significance (3). Last evaluated 2026-04-03.

Conditions:
Danon disease. Also called: ANTOPOL DISEASE; Glycogen Storage Disease Type IIb; PSEUDOGLYCOGENOSIS II; GSD IIb; LYSOSOMAL GLYCOGEN STORAGE DISEASE WITHOUT ACID MALTASE DEFICIENCY. Identifiers: Orphanet 34587, MedGen C0878677, MONDO:0010281, OMIM 300257.

gnomAD v4.1: 2 of 1,210,361 alleles (0.00017%); highest among the groups gnomAD compares: Admixed American, 0.0043%; no homozygotes.

Submissions (3):

Dasa
Classification: Uncertain significance. Last evaluated: 2026-04-03. Review status: criteria provided, single submitter. Criteria: DASA Assertion Criteria. Collection method: clinical testing. Allele origin: germline.
Comment: NM_002294.3(LAMP2):c.755T>C (p.Ile252Thr) is a missense variant that results in the substitution of isoleucine with threonine. This variant is rare in population databases. The currently available literature and clinical evidence are not sufficient to establish a definitive association between this variant and the reported condition. Therefore, this variant is classified as a variant of uncertain significance.

Women's Health and Genetics/Laboratory Corporation of America, LabCorp
Classification: Uncertain significance. Last evaluated: 2023-05-22. Review status: criteria provided, single submitter. Criteria: LabCorp Variant Classification Summary - May 2015. Collection method: clinical testing. Allele origin: germline.

Labcorp Genetics (formerly Invitae), Labcorp
Classification: Uncertain significance for Danon disease. Last evaluated: 2021-07-26. Review status: criteria provided, single submitter. Criteria: Invitae Variant Classification Sherloc (09022015). Collection method: clinical testing. Allele origin: germline.
Comment: This variant is not present in population databases (ExAC no frequency). This sequence change replaces isoleucine with threonine at codon 252 of the LAMP2 protein (p.Ile252Thr). The isoleucine residue is weakly conserved and there is a moderate physicochemical difference between isoleucine and threonine. In summary, the available evidence is currently insufficient to determine the role of this variant in disease. Therefore, it has been classified as a Variant of Uncertain Significance. Algorithms developed to predict the effect of missense changes on protein structure and function (SIFT, PolyPhen-2, Align-GVGD) all suggest that this variant is likely to be tolerated, but these predictions have not been confirmed by published functional studies and their clinical significance is uncertain. This variant has not been reported in the literature in individuals with LAMP2-related conditions.